The following is an entry in ClinVar:

ClinVar aggregate classification (germline): Uncertain significance (1 of 4 stars; one submission).

Conditions:
Anterior segment dysgenesis. Also called: Ocular anterior segment dysgenesis. Identifiers: Orphanet 88632, MedGen C1862839, MONDO:0019503, HP:0007700.
Congenital primary aphakia. Also called: Anterior segment dysgenesis 2, multiple subtypes; ANTERIOR SEGMENT DYSGENESIS 2. Identifiers: Orphanet 83461, MedGen C1853230, MONDO:0012456, OMIM 610256.

Submission:

Labcorp Genetics (formerly Invitae), Labcorp
Classification: Uncertain significance for Anterior segment dysgenesis; Congenital primary aphakia. Last evaluated: 2025-04-02. Review status: criteria provided, single submitter. Criteria: Invitae Variant Classification Sherloc (09022015). Collection method: clinical testing. Allele origin: germline.
Comment: This sequence change replaces alanine, which is neutral and non-polar, with valine, which is neutral and non-polar, at codon 295 of the FOXE3 protein (p.Ala295Val). This variant is not present in population databases (gnomAD no frequency). This variant has not been reported in the literature in individuals affected with FOXE3-related conditions. An algorithm developed to predict the effect of missense changes on protein structure and function (PolyPhen-2) suggests that this variant is likely to be tolerated. In summary, the available evidence is currently insufficient to determine the role of this variant in disease. Therefore, it has been classified as a Variant of Uncertain Significance.

NM_012186.3(FOXE3):c.884C>T (p.Ala295Val)

Genes: FOXE3 (forkhead box E3; plus strand), LINC01389 (long independently transcribed non-coding RNA 1389; minus strand). Cytogenetic location: 1p33.
Variant type: single nucleotide variant.
Coding change: c.884C>T on transcript NM_012186.3 (MANE Select); coding-DNA position 884, C replaced by T.
Protein change: p.Ala295Val; replaces alanine 295 with valine.
Molecular consequence: missense variant.
Genome position (GRCh38, 1-based): chr1:47,417,199, C>T. VCF-style: chr1-47417199-C-T. GRCh37 (hg19) VCF-style: chr1-47882871-C-T.
Other names: short protein forms A295V.
Identifiers: ClinVar variation 4790442 (VCV004790442.1).
Genomic context (GRCh38, chr1:47,417,199, plus strand): 5'-GCCCCGGCCCCGGCCCGCTGCCCGCTGAGCCCCTCCTGGCCTTGGCCGGGCCGGCAGCCG[C>T]TCTCGGCCCGCTCAGCCCTGGGGAGGCCTACCTGAGGCAGCCGGGCTTCGCGTCGGGGCT-3'
Protein context (NP_036318.1, residues 285-305): PLLALAGPAA[Ala295Val]LGPLSPGEAY